The following is an entry in ClinVar:

ClinVar aggregate classification (germline): Uncertain significance (1 of 4 stars; one submission).

Submission:

Labcorp Genetics (formerly Invitae), Labcorp
Classification: Uncertain significance. Last evaluated: 2024-10-22. Review status: criteria provided, single submitter. Criteria: Invitae Variant Classification Sherloc (09022015). Collection method: clinical testing. Allele origin: germline.
Comment: This sequence change replaces lysine, which is basic and polar, with arginine, which is basic and polar, at codon 823 of the FMN1 protein (p.Lys823Arg). This variant is not present in population databases (gnomAD no frequency). This variant has not been reported in the literature in individuals affected with FMN1-related conditions. An algorithm developed to predict the effect of missense changes on protein structure and function (PolyPhen-2) suggests that this variant is likely to be disruptive. Algorithms developed to predict the effect of sequence changes on RNA splicing suggest that this variant may disrupt the consensus splice site. In summary, the available evidence is currently insufficient to determine the role of this variant in disease. Therefore, it has been classified as a Variant of Uncertain Significance.

NM_001277313.2(FMN1):c.3137A>G (p.Lys1046Arg)

Gene: FMN1 (formin 1; minus strand). Cytogenetic location: 15q13.3.
Variant type: single nucleotide variant.
Coding change: c.3137A>G on transcript NM_001277313.2 (MANE Select); coding-DNA position 3137, A replaced by G.
Protein change: p.Lys1046Arg; replaces lysine 1046 with arginine.
Molecular consequence: missense variant.
Genome position (GRCh38, 1-based): chr15:32,964,108, T>C on the plus strand (A>G on the coding strand, the complement: FMN1 is on the minus strand). VCF-style: chr15-32964108-T-C. GRCh37 (hg19) VCF-style: chr15-33256309-T-C.
Other names: c.2468A>G, p.Lys823Arg (NM_001103184.4); short protein forms K1046R, K823R.
Identifiers: ClinVar variation 3655304 (VCV003655304.2).